The following is an entry in ClinVar:

ClinVar aggregate classification (germline): Pathogenic (1 of 4 stars; one submission).

Submission:

GeneDx
Classification: Pathogenic. Last evaluated: 2016-11-03. Review status: criteria provided, single submitter. Criteria: GeneDx Variant Classification (06012015). Collection method: clinical testing. Allele origin: germline. Affected: yes.
Comment: The Y198X variant in the SOX11 gene has not been reported previously as a pathogenic variant nor as a benign variant, to our knowledge. This variant is predicted to cause loss of normal protein function as the last 244 amino acids are deleted. The Y198X variant was not observed in approximately 5300 individuals of European and African American ancestry in the NHLBI Exome Sequencing Project, indicating it is not a common benign variant in these populations. We interpret Y198X as a pathogenic variant.

NM_003108.4(SOX11):c.594C>A (p.Tyr198Ter)

Gene: SOX11 (SRY-box transcription factor 11; plus strand). Cytogenetic location: 2p25.2.
Variant type: single nucleotide variant.
Coding change: c.594C>A on transcript NM_003108.4 (MANE Select); coding-DNA position 594, C replaced by A.
Protein change: p.Tyr198Ter; replaces tyrosine 198 with a stop codon.
Molecular consequence: nonsense.
Genome position (GRCh38, 1-based): chr2:5,693,315, C>A. VCF-style: chr2-5693315-C-A. GRCh37 (hg19) VCF-style: chr2-5833447-C-A.
Other names: short protein forms Y198*.
Identifiers: ClinVar variation 373066 (VCV000373066.2), dbSNP rs1057518187, ClinGen allele CA16042463.
Genomic context (GRCh38, chr2:5,693,315, plus strand): 5'-CAAGGCGGGCGCGGGCAAGGCGGCCCAGTCCGGGGACTACGGGGGCGCGGGCGACGACTA[C>A]GTGCTGGGCAGCCTGCGCGTGAGCGGCTCGGGCGGCGGCGGCGCGGGCAAGACGGTCAAG-3'